The following is an entry in ClinVar:

NM_002519.3(NPAT):c.2593A>G (p.Asn865Asp)

Gene: NPAT (nuclear protein, coactivator of histone transcription; minus strand). Cytogenetic location: 11q22.3.
Variant type: single nucleotide variant.
Coding change: c.2593A>G on transcript NM_002519.3 (MANE Select); coding-DNA position 2593, A replaced by G.
Protein change: p.Asn865Asp; replaces asparagine 865 with aspartic acid.
Molecular consequence: missense variant.
Genome position (GRCh38, 1-based): chr11:108,172,391, T>C on the plus strand (A>G on the coding strand, the complement: NPAT is on the minus strand). VCF-style: chr11-108172391-T-C. GRCh37 (hg19) VCF-style: chr11-108043118-T-C.
Other names: c.2593A>G, p.Asn865Asp (NM_001321307.1); short protein forms N865D.
Identifiers: ClinVar variation 1793544 (VCV001793544.2), dbSNP rs2496716689, ClinGen allele CA382512644.
Genomic context (GRCh38, chr11:108,172,391, plus strand): 5'-ACTGACTTACAGATGTTCCTAACGCTGTTGGATCAGTCACACAGGTAGCTATCAGAATGT[T>C]ATTTGAATTGCCAAAAGCTGTGCTTGTGGCTGGCATCAACTGTATATATCCTCCATCCTT-3'
Protein context (NP_002510.2, residues 855-875): ATSTAFGNSN[Asn865Asp]ILIATCVTDP

ClinVar aggregate classification (germline): Uncertain significance (1 of 4 stars; one submission).

Submission:

Ambry Genetics
Classification: Uncertain significance. Last evaluated: 2021-07-04. Review status: criteria provided, single submitter. Criteria: Ambry Variant Classification Scheme 2023. Collection method: clinical testing. Allele origin: germline.
Comment: The p.N865D variant (also known as c.2593A>G), located in coding exon 13 of the NPAT gene, results from an A to G substitution at nucleotide position 2593. The asparagine at codon 865 is replaced by aspartic acid, an amino acid with highly similar properties. This amino acid position is conserved. In addition, this alteration is predicted to be tolerated by in silico analysis. Since supporting evidence is limited at this time, the clinical significance of this alteration remains unclear.